The following is an entry in ClinVar:

NM_024503.5(HIVEP3):c.414C>A (p.Leu138=)

Gene: HIVEP3 (HIVEP zinc finger 3; minus strand). Cytogenetic location: 1p34.2.
Variant type: single nucleotide variant.
Coding change: c.414C>A on transcript NM_024503.5 (MANE Select); coding-DNA position 414, C replaced by A.
Protein change: p.Leu138=; no amino-acid change (leucine 138 retained).
Molecular consequence: synonymous variant.
Genome position (GRCh38, 1-based): chr1:41,584,384, G>T on the plus strand (C>A on the coding strand, the complement: HIVEP3 is on the minus strand). VCF-style: chr1-41584384-G-T. GRCh37 (hg19) VCF-style: chr1-42050055-G-T.
Other names: c.414C>A, p.Leu138= (NM_001127714.3).
Identifiers: ClinVar variation 3041824 (VCV003041824.2), dbSNP rs61773680, ClinGen allele CA798416.

ClinVar aggregate classification (germline): Benign (0 of 4 stars; one submission).

Conditions:
HIVEP3-related disorder. Also called: HIVEP3-related condition.

Allele frequency attached by ClinVar (database versions not stated): 1000 Genomes Project 0.00679; 1000 Genomes Project 30x 0.00703; ExAC 0.01375; TOPMed 0.01437; ESP Exome Variant Server 0.01569; gnomAD 0.01585.
gnomAD v4.1: 33,393 of 1,613,718 alleles (2.1%); highest among the groups gnomAD compares: Non-Finnish European, 2.5%; 435 homozygotes.

Submission:

PreventionGenetics, part of Exact Sciences
Classification: Benign for HIVEP3-related condition. Last evaluated: 2020-02-24. Review status: no assertion criteria provided. Collection method: clinical testing. Allele origin: germline.
Comment: This variant is classified as benign based on ACMG/AMP sequence variant interpretation guidelines (Richards et al. 2015 PMID: 25741868, with internal and published modifications).